The following is an entry in ClinVar:

ClinVar aggregate classification (germline): Uncertain significance (1 of 4 stars; one submission).

Submission:

GeneDx
Classification: Uncertain significance. Last evaluated: 2024-04-15. Review status: criteria provided, single submitter. Criteria: GeneDx Variant Classification Process June 2021. Collection method: clinical testing. Allele origin: germline. Affected: yes.
Comment: Not observed at significant frequency in large population cohorts (gnomAD); In silico analysis supports that this missense variant has a deleterious effect on protein structure/function; Has not been previously published as pathogenic or benign to our knowledge

NM_000719.7(CACNA1C):c.4794G>A (p.Met1598Ile)

Gene: CACNA1C (calcium voltage-gated channel subunit alpha1 C; plus strand). Cytogenetic location: 12p13.33.
Variant type: single nucleotide variant.
Coding change: c.4794G>A on transcript NM_000719.7 (MANE Select); coding-DNA position 4794, G replaced by A.
Protein change: p.Met1598Ile; replaces methionine 1598 with isoleucine.
Molecular consequence: missense variant.
Genome position (GRCh38, 1-based): chr12:2,674,608, G>A. VCF-style: chr12-2674608-G-A. GRCh37 (hg19) VCF-style: chr12-2783774-G-A.
Other names: c.4794G>A, p.Met1598Ile (NM_001129841.2, NM_001129842.2, NM_001129843.2 and 4 more transcripts); c.4785G>A, p.Met1595Ile (NM_001129844.2); c.4761G>A, p.Met1587Ile (NM_001129846.2, NM_001167625.2); c.4938G>A, p.Met1646Ile (NM_199460.4, NM_001129827.2); c.4917G>A, p.Met1639Ile (NM_001129829.2); c.4878G>A, p.Met1626Ile (NM_001129831.2); c.4854G>A, p.Met1618Ile (NM_001129832.2); c.4851G>A, p.Met1617Ile (NM_001129833.2, NM_001129834.2, NM_001129835.2); and 3 more; short protein forms M1587I, M1595I, M1598I, M1604I, M1606I, M1615I, M1617I, M1618I.
Identifiers: ClinVar variation 3365814 (VCV003365814.1).